The following is an entry in ClinVar:

ClinVar aggregate classification (germline): Uncertain significance. Review status: criteria provided, multiple submitters, no conflicts (2 of 4 stars). 3 submissions from 3 submitters: Uncertain significance (3). Last evaluated 2018-10-10.

Conditions:
LAMA2-related muscular dystrophy (LAMA2-RD). Also called: Laminin alpha 2-related dystrophy. Identifiers: MedGen C5679788, MONDO:0100228.

Submissions (3):

Athena Diagnostics
Classification: Uncertain significance. Last evaluated: 2018-10-10. Review status: criteria provided, single submitter. Criteria: Athena Diagnostics Criteria. Collection method: clinical testing. Allele origin: germline.

Labcorp Genetics (formerly Invitae), Labcorp
Classification: Uncertain significance for Laminin alpha 2-related dystrophy. Last evaluated: 2018-04-18. Review status: criteria provided, single submitter. Criteria: Invitae Variant Classification Sherloc (09022015). Collection method: clinical testing. Allele origin: germline.
Comment: This sequence change replaces histidine with asparagine at codon 1441 of the LAMA2 protein (p.His1441Asn). The histidine residue is moderately conserved and there is a small physicochemical difference between histidine and asparagine. This variant is not present in population databases (ExAC no frequency). This variant has not been reported in the literature in individuals with LAMA2-related disease. Algorithms developed to predict the effect of missense changes on protein structure and function (SIFT, PolyPhen-2, Align-GVGD) all suggest that this variant is likely to be tolerated, but these predictions have not been confirmed by published functional studies and their clinical significance is uncertain. In summary, the available evidence is currently insufficient to determine the role of this variant in disease. Therefore, it has been classified as a Variant of Uncertain Significance.

Breakthrough Genomics
Classification: Uncertain significance. Review status: criteria provided, single submitter. Criteria: ACMG Guidelines, 2015. Collection method: not provided. Allele origin: germline. Inheritance: Autosomal recessive inheritance. Affected: yes.

NM_000426.4(LAMA2):c.4321C>A (p.His1441Asn)

Gene: LAMA2 (laminin subunit alpha 2; plus strand). Cytogenetic location: 6q22.33.
Variant type: single nucleotide variant.
Coding change: c.4321C>A on transcript NM_000426.4 (MANE Select); coding-DNA position 4321, C replaced by A.
Protein change: p.His1441Asn; replaces histidine 1441 with asparagine.
Molecular consequence: missense variant.
Genome position (GRCh38, 1-based): chr6:129,342,352, C>A. VCF-style: chr6-129342352-C-A. GRCh37 (hg19) VCF-style: chr6-129663497-C-A.
Other names: c.4321C>A, p.His1441Asn (NM_001079823.2); short protein forms H1441N.
Identifiers: ClinVar variation 571316 (VCV000571316.3), dbSNP rs1562477412, ClinGen allele CA365615103.